The following is an entry in ClinVar:

ClinVar aggregate classification (germline): Uncertain significance (1 of 4 stars; one submission).

Conditions:
Charcot-Marie-Tooth disease type 2. Also called: Charcot-Marie-Tooth type 2. Identifiers: Orphanet 64746, MedGen C0270914, MONDO:0018993.

Allele frequency attached by ClinVar (database versions not stated): gnomAD exomes below 0.00001; TOPMed below 0.00001.
gnomAD v4.1: 2 of 1,612,910 alleles (0.00012%); highest among the groups gnomAD compares: African/African-American, 0.0027%; no homozygotes.

Submission:

Labcorp Genetics (formerly Invitae), Labcorp
Classification: Uncertain significance for Charcot-Marie-Tooth disease type 2. Last evaluated: 2022-01-13. Review status: criteria provided, single submitter. Criteria: Invitae Variant Classification Sherloc (09022015). Collection method: clinical testing. Allele origin: germline.
Comment: This variant has not been reported in the literature in individuals affected with MFN2-related conditions. This variant is not present in population databases (gnomAD no frequency). This sequence change falls in intron 15 of the MFN2 gene. It does not directly change the encoded amino acid sequence of the MFN2 protein. It affects a nucleotide within the consensus splice site. Variants that disrupt the consensus splice site are a relatively common cause of aberrant splicing (PMID: 17576681, 9536098). Algorithms developed to predict the effect of sequence changes on RNA splicing suggest that this variant is not likely to affect RNA splicing. In summary, the available evidence is currently insufficient to determine the role of this variant in disease. Therefore, it has been classified as a Variant of Uncertain Significance.

Literature cited by the submitters: PubMed 17576681; PubMed 9536098.

NM_014874.4(MFN2):c.1716+5G>A

Genes: MFN2 (mitofusin 2; plus strand), LOC129929426 (ATAC-STARR-seq lymphoblastoid active region 185; plus strand). Cytogenetic location: 1p36.22.
Variant type: single nucleotide variant.
Coding change: c.1716+5G>A on transcript NM_014874.4 (MANE Select); 5 bases into the intron after coding-DNA position 1716, G replaced by A.
Molecular consequence: intron variant.
Genome position (GRCh38, 1-based): chr1:12,005,936, G>A. VCF-style: chr1-12005936-G-A. GRCh37 (hg19) VCF-style: chr1-12065993-G-A.
Other names: c.1716+5G>A (NM_001127660.2).
Identifiers: ClinVar variation 1401022 (VCV001401022.6), dbSNP rs1639389952, ClinGen allele CA1153925711.